The following is an entry in ClinVar:

NM_007078.3(LDB3):c.245+278T>C

Gene: LDB3 (LIM domain binding 3; plus strand). Cytogenetic location: 10q23.2.
Variant type: single nucleotide variant.
Coding change: c.245+278T>C on transcript NM_007078.3 (MANE Select); 278 bases into the intron after coding-DNA position 245, T replaced by C.
Molecular consequence: intron variant.
Genome position (GRCh38, 1-based): chr10:86,679,796, T>C. VCF-style: chr10-86679796-T-C. GRCh37 (hg19) VCF-style: chr10-88439553-T-C.
Other names: c.245+278T>C (NM_001368064.1, NM_001368063.1, NM_001368068.1 and 8 more transcripts).
Identifiers: ClinVar variation 669427 (VCV000669427.1), dbSNP rs60835566, ClinGen allele CA13311114.
Genomic context (GRCh38, chr10:86,679,796, plus strand): 5'-GCAGAGATGGTGGTCCTGGTGCTGCCCGTACGTGGGCCATTGGTCCTGGAAGGCAGGTCT[T>C]ACCTACTTCCACTTTGCCCAGGCAGCCCCCAGTGACGTAGCAGGGGCCCATGGATTCTGA-3'

ClinVar aggregate classification (germline): Benign (1 of 4 stars; one submission).

Allele frequency attached by ClinVar (database versions not stated): gnomAD 0.04830 and 0.05176; TOPMed 0.05434; 1000 Genomes Project 0.05851; 1000 Genomes Project 30x 0.06074.
gnomAD v4.1: 7,319 of 152,262 alleles (4.8%); highest among the groups gnomAD compares: African/African-American, 16%; 561 homozygotes.

Submission:

GeneDx
Classification: Benign. Last evaluated: 2018-06-14. Review status: criteria provided, single submitter. Criteria: GeneDx Variant Classification (06012015). Collection method: clinical testing. Allele origin: germline. Affected: yes.
Comment: This variant is considered likely benign or benign based on one or more of the following criteria: it is a conservative change, it occurs at a poorly conserved position in the protein, it is predicted to be benign by multiple in silico algorithms, and/or has population frequency not consistent with disease.